The following is an entry in ClinVar:

NM_012162.4(FBXL6):c.753G>A (p.Leu251=)

Gene: FBXL6 (F-box and leucine rich repeat protein 6; minus strand). Cytogenetic location: 8q24.3.
Variant type: single nucleotide variant.
Coding change: c.753G>A on transcript NM_012162.4 (MANE Select); coding-DNA position 753, G replaced by A.
Protein change: p.Leu251=; no amino-acid change (leucine 251 retained).
Molecular consequence: synonymous variant.
Genome position (GRCh38, 1-based): chr8:144,357,008, C>T on the plus strand (G>A on the coding strand, the complement: FBXL6 is on the minus strand). VCF-style: chr8-144357008-C-T. GRCh37 (hg19) VCF-style: chr8-145580668-C-T.
Other names: c.735G>A, p.Leu245= (NM_024555.6).
Identifiers: ClinVar variation 2658980 (VCV002658980.24), dbSNP rs782262513, ClinGen allele CA4937810.

ClinVar aggregate classification (germline): Likely benign (1 of 4 stars; one submission).

Allele frequency attached by ClinVar (database versions not stated): ExAC 0.00001; gnomAD exomes 0.00001.
gnomAD v4.1: 7 of 1,613,018 alleles (0.00043%); highest among the groups gnomAD compares: African/African-American, 0.0067%; no homozygotes.

Submission:

CeGaT Center for Human Genetics Tuebingen
Classification: Likely benign. Last evaluated: 2023-07-01. Review status: criteria provided, single submitter. Criteria: CeGaT Center For Human Genetics Tuebingen Variant Classification Criteria Version 2. Collection method: clinical testing. Allele origin: germline. Affected: yes. Observed: 1 variant allele.
Comment: FBXL6: BP4, BP7